The following is an entry in ClinVar:

NC_000017.10:g.(?_29486022)_(29533395_?)del

Gene: NF1 (neurofibromin 1; plus strand). Cytogenetic location: 17q11.2.
Variant type: Deletion.
Identifiers: ClinVar variation 457503 (VCV000457503.1).

ClinVar aggregate classification (germline): Pathogenic (1 of 4 stars; one submission).

Conditions:
Neurofibromatosis, type 1 (NF1). Also called: VON RECKLINGHAUSEN DISEASE; NEUROFIBROMATOSIS, TYPE I, SOMATIC; Peripheral type neurofibromatosis; Neurofibromatosis, type I. Identifiers: Orphanet 636, MedGen C0027831, MONDO:0018975, OMIM 162200. Disease mechanism: loss of function.

Submission:

Labcorp Genetics (formerly Invitae), Labcorp
Classification: Pathogenic for Neurofibromatosis, type 1. Last evaluated: 2017-05-25. Review status: criteria provided, single submitter. Criteria: Invitae Variant Classification Sherloc (09022015). Collection method: clinical testing. Allele origin: germline.
Comment: A gross deletion of the genomic region encompassing the full coding sequence of the NF1 gene has been identified. The boundaries of this event are unknown as the deletion extends beyond the assayed region for this gene and therefore may encompass additional genes. Gross deletions of the NF1 gene have been observed in many neurofibromatosis patients and are known to be pathogenic (PMID: 8116612, 8931693, 9643287). For these reasons, this variant has been classified as Pathogenic.